The following is an entry in ClinVar:

ClinVar aggregate classification (germline): Uncertain significance (0 of 4 stars; one submission).

Conditions:
SEMA3G-related disorder. Also called: SEMA3G-related condition.

gnomAD v4.1: 4 of 1,613,764 alleles (0.00025%); highest among the groups gnomAD compares: Non-Finnish European, 0.00034%; no homozygotes.

Submission:

PreventionGenetics, part of Exact Sciences
Classification: Uncertain significance for SEMA3G-related condition. Last evaluated: 2024-05-22. Review status: no assertion criteria provided. Collection method: clinical testing. Allele origin: germline.
Comment: The SEMA3G c.610C>T variant is predicted to result in premature protein termination (p.Arg204*). To our knowledge, this variant has not been reported in the literature or in a large population database, indicating this variant is rare. Loss of function is not an established mechanism of SEMA3G-related disease. At this time, the clinical significance of this variant is uncertain due to the absence of conclusive functional and genetic evidence.

NM_020163.3(SEMA3G):c.610C>T (p.Arg204Ter)

Gene: SEMA3G (semaphorin 3G; minus strand). Cytogenetic location: 3p21.1.
Variant type: single nucleotide variant.
Coding change: c.610C>T on transcript NM_020163.3 (MANE Select); coding-DNA position 610, C replaced by T.
Protein change: p.Arg204Ter; replaces arginine 204 with a stop codon.
Molecular consequence: nonsense.
Genome position (GRCh38, 1-based): chr3:52,441,631, G>A on the plus strand (C>T on the coding strand, the complement: SEMA3G is on the minus strand). VCF-style: chr3-52441631-G-A. GRCh37 (hg19) VCF-style: chr3-52475647-G-A.
Other names: short protein forms R204*.
Identifiers: ClinVar variation 3354091 (VCV003354091.1).